The following is an entry in ClinVar:

ClinVar aggregate classification (germline): Uncertain significance. Review status: criteria provided, multiple submitters, no conflicts (2 of 4 stars). 2 submissions from 2 submitters: Uncertain significance (2). Last evaluated 2025-10-14.

Conditions:
Neuropathy, hereditary sensory, type 1F. Also called: Hereditary sensory neuropathy type IF; HSN IF. Identifiers: Orphanet 36386, MedGen C3810194, MONDO:0014286, OMIM 615632.
Inborn genetic diseases. Identifiers: MedGen C0950123, MeSH D030342.

Submissions (2):

Labcorp Genetics (formerly Invitae), Labcorp
Classification: Uncertain significance for Neuropathy, hereditary sensory, type 1F. Last evaluated: 2025-10-14. Review status: criteria provided, single submitter. Criteria: Invitae Variant Classification Sherloc (09022015). Collection method: clinical testing. Allele origin: germline.
Comment: This variant, c.385_387del, results in the deletion of 1 amino acid(s) of the ATL3 protein (p.Glu129del), but otherwise preserves the integrity of the reading frame. This variant is present in population databases (rs759201371, gnomAD 0.005%). This variant has not been reported in the literature in individuals affected with ATL3-related conditions. ClinVar contains an entry for this variant (Variation ID: 1390637). Experimental studies and prediction algorithms are not available or were not evaluated, and the functional significance of this variant is currently unknown. In summary, the available evidence is currently insufficient to determine the role of this variant in disease. Therefore, it has been classified as a Variant of Uncertain Significance.

Ambry Genetics
Classification: Uncertain significance for Inborn genetic diseases. Last evaluated: 2020-02-14. Review status: criteria provided, single submitter. Criteria: Ambry Variant Classification Scheme 2023. Collection method: clinical testing. Allele origin: germline.
Comment: The c.385_387delGAG variant (also known as p.E129del) is located in coding exon 3 of the ATL3 gene. This variant results from an in-frame GAG deletion at nucleotide positions 385 to 387. This results in the in-frame deletion of a glutamic acid at codon 129. This amino acid position is not well conserved in available vertebrate species. In addition, this alteration is predicted to be deleterious by in silico analysis (Choi Y et al. PLoS ONE. 2012; 7(10):e46688). Since supporting evidence is limited at this time, the clinical significance of this alteration remains unclear.

NM_015459.5(ATL3):c.385_387del (p.Glu129del)

Genes: ATL3 (atlastin GTPase 3; minus strand), LNCROPM (lncRNA regulator of PLAAT3 mediated phospholipid metabolism; plus strand). Cytogenetic location: 11q13.1.
Variant type: Deletion.
Coding change: c.385_387del on transcript NM_015459.5 (MANE Select); coding-DNA positions 385 to 387, 3 bases deleted (GAG; older notation c.385_387delGAG).
Protein change: p.Glu129del; deletes glutamic acid 129.
Molecular consequence: inframe deletion.
Genome position (GRCh38, 1-based): chr11:63,658,779-63,658,781, CTC deleted on the plus strand (GAG on the coding strand, the reverse complement: ATL3 is on the minus strand); deleting any 3 consecutive bases within chr11:63,658,779-63,658,782 gives the same sequence; the c. name uses the placement nearest the transcript's 3' end. VCF-style (leftmost placement, unchanged base first): chr11-63658778-TCTC-T. GRCh37 (hg19) VCF-style: chr11-63426250-TCTC-T.
Other names: c.331_333del, p.Glu111del (NM_001290048.2); short protein forms E111del, E129del.
Identifiers: ClinVar variation 1390637 (VCV001390637.8), dbSNP rs759201371, ClinGen allele CA6063821.
Genomic context (GRCh38, chr11:63,658,778, plus strand): 5'-TGTTGTTGTTGTTGTTAATCTGTAAGGTCATTTTCATCCTTACCTTCTTCCCACCTGGCT[TCTC>T]CACAGTGAAAACTTCACTCCAGATTTGAATCCCAGTGGTTTCTGGATCAGATCCCCCTCT-3'